The following is an entry in ClinVar:

ClinVar aggregate classification (germline): Uncertain significance. Review status: criteria provided, single submitter (1 of 4 stars). 2 submissions from 2 submitters: Uncertain significance (1). 1 of the submissions does not count toward it. Last evaluated 2025-07-07.

Conditions:
PLXNA2-related disorder. Also called: PLXNA2-related condition.

gnomAD v4.1: 20 of 1,597,806 alleles (0.0013%); highest among the groups gnomAD compares: Admixed American, 0.0068%; 1 homozygote.

Submissions (2):

Labcorp Genetics (formerly Invitae), Labcorp
Classification: Uncertain significance. Last evaluated: 2025-07-07. Review status: criteria provided, single submitter. Criteria: Invitae Variant Classification Sherloc (09022015). Collection method: clinical testing. Allele origin: germline.
Comment: This sequence change replaces arginine, which is basic and polar, with histidine, which is basic and polar, at codon 539 of the PLXNA2 protein (p.Arg539His). The frequency data for this variant in the population databases is considered unreliable, as metrics indicate poor data quality at this position in the gnomAD database. This variant has not been reported in the literature in individuals affected with PLXNA2-related conditions. ClinVar contains an entry for this variant (Variation ID: 3354237). Invitae Evidence Modeling of protein sequence and biophysical properties (such as structural, functional, and spatial information, amino acid conservation, physicochemical variation, residue mobility, and thermodynamic stability) indicates that this missense variant is expected to disrupt PLXNA2 protein function with a positive predictive value of 80%. In summary, the available evidence is currently insufficient to determine the role of this variant in disease. Therefore, it has been classified as a Variant of Uncertain Significance.

PreventionGenetics, part of Exact Sciences
Classification: Uncertain significance for PLXNA2-related condition. Last evaluated: 2024-05-12. Review status: no assertion criteria provided. Collection method: clinical testing. Allele origin: germline. Not counted in ClinVar's aggregate classification.
Comment: The PLXNA2 c.1616G>A variant is predicted to result in the amino acid substitution p.Arg539His. To our knowledge, this variant has not been reported in the literature. This variant is reported in 0.012% of alleles in individuals of Latino descent in gnomAD. At this time, the clinical significance of this variant is uncertain due to the absence of conclusive functional and genetic evidence.

NM_025179.4(PLXNA2):c.1616G>A (p.Arg539His)

Gene: PLXNA2 (plexin A2; minus strand). Cytogenetic location: 1q32.2.
Variant type: single nucleotide variant.
Coding change: c.1616G>A on transcript NM_025179.4 (MANE Select); coding-DNA position 1616, G replaced by A.
Protein change: p.Arg539His; replaces arginine 539 with histidine.
Molecular consequence: missense variant.
Genome position (GRCh38, 1-based): chr1:208,098,961, C>T on the plus strand (G>A on the coding strand, the complement: PLXNA2 is on the minus strand). VCF-style: chr1-208098961-C-T. GRCh37 (hg19) VCF-style: chr1-208272306-C-T.
Other names: short protein forms R539H.
Identifiers: ClinVar variation 3354237 (VCV003354237.3).
Genomic context (GRCh38, chr1:208,098,961, plus strand): 5'-CACTGGCTGATGCTGGCAGCAAATCGATTAGGTTCCCAGGCCTGTTGGCATTTGTCCCTG[C>T]GGGAGCACCTGCCATAAACACAGATTCACAAGAGGTCAGGCCTCTGGGACCCATCTGTTT-3'
Protein context (NP_079455.3, residues 529-549): GWCALHNMCS[Arg539His]RDKCQQAWEP